The following is an entry in ClinVar:

NM_001127208.3(TET2):c.3004A>G (p.Thr1002Ala)

Genes: TET2 (tet methylcytosine dioxygenase 2; plus strand), TET2-AS1 (TET2 antisense RNA 1; minus strand). Cytogenetic location: 4q24.
Variant type: single nucleotide variant.
Coding change: c.3004A>G on transcript NM_001127208.3 (MANE Select); coding-DNA position 3004, A replaced by G.
Protein change: p.Thr1002Ala; replaces threonine 1002 with alanine.
Molecular consequence: missense variant.
Genome position (GRCh38, 1-based): chr4:105,236,946, A>G. VCF-style: chr4-105236946-A-G. GRCh37 (hg19) VCF-style: chr4-106158103-A-G.
Other names: c.3004A>G, p.Thr1002Ala (NM_017628.4); short protein forms T1002A.
Identifiers: ClinVar variation 4827246 (VCV004827246.2).

ClinVar aggregate classification (germline): Uncertain significance. Review status: criteria provided, multiple submitters, no conflicts (2 of 4 stars). 2 submissions from 2 submitters: Uncertain significance (2). Last evaluated 2026-03-21.

gnomAD v4.1: 1 of 1,614,148 alleles (0.000062%); highest among the groups gnomAD compares: Non-Finnish European, 0.000085%; no homozygotes.

Submissions (2):

GeneDx
Classification: Uncertain significance. Last evaluated: 2026-03-21. Review status: criteria provided, single submitter. Criteria: GeneDx Variant Classification Process June 2021. Collection method: clinical testing. Allele origin: germline.
Comment: Not observed at significant frequency in large population cohorts (gnomAD); In silico analysis suggests that this missense variant does not alter protein structure/function; Has not been previously published as pathogenic or benign to our knowledge

Ambry Genetics
Classification: Uncertain significance. Last evaluated: 2026-02-24. Review status: criteria provided, single submitter. Criteria: Ambry Variant Classification Scheme 2023. Collection method: clinical testing. Allele origin: germline.
Comment: The p.T1002A variant (also known as c.3004A>G), located in coding exon 1 of the TET2 gene, results from an A to G substitution at nucleotide position 3004. The threonine at codon 1002 is replaced by alanine, an amino acid with similar properties. This amino acid position is conserved. In addition, this alteration is predicted to be tolerated by in silico analysis. Based on the available evidence, the clinical significance of this variant remains unclear.